The following is an entry in ClinVar:

ClinVar aggregate classification (germline): Uncertain significance (1 of 4 stars; one submission).

Conditions:
Glycogen storage disease type III (GSD3). Also called: Cori disease; FORBES DISEASE. Identifiers: Orphanet 366, MedGen C0017922, MONDO:0009291, OMIM 232400.

Submission:

Labcorp Genetics (formerly Invitae), Labcorp
Classification: Uncertain significance for Glycogen storage disease type III. Last evaluated: 2021-11-02. Review status: criteria provided, single submitter. Criteria: Invitae Variant Classification Sherloc (09022015). Collection method: clinical testing. Allele origin: germline.
Comment: In summary, the available evidence is currently insufficient to determine the role of this variant in disease. Therefore, it has been classified as a Variant of Uncertain Significance. Algorithms developed to predict the effect of missense changes on protein structure and function are either unavailable or do not agree on the potential impact of this missense change (SIFT: "Deleterious"; PolyPhen-2: "Probably Damaging"; Align-GVGD: "Class C0"). This missense change has been observed in individual(s) with AGL-related conditions (Invitae). In at least one individual the data is consistent with the variant being in trans (on the opposite chromosome) from a pathogenic variant. This variant is not present in population databases (gnomAD no frequency). This sequence change replaces aspartic acid, which is acidic and polar, with tyrosine, which is neutral and polar, at codon 564 of the AGL protein (p.Asp564Tyr).

NM_000642.3(AGL):c.1690G>T (p.Asp564Tyr)

Gene: AGL (amylo-alpha-1,6-glucosidase and 4-alpha-glucanotransferase; plus strand). Cytogenetic location: 1p21.2.
Variant type: single nucleotide variant.
Coding change: c.1690G>T on transcript NM_000642.3 (MANE Select); coding-DNA position 1690, G replaced by T.
Protein change: p.Asp564Tyr; replaces aspartic acid 564 with tyrosine.
Molecular consequence: missense variant.
Genome position (GRCh38, 1-based): chr1:99,880,001, G>T. VCF-style: chr1-99880001-G-T. GRCh37 (hg19) VCF-style: chr1-100345557-G-T.
Other names: c.1690G>T, p.Asp564Tyr (NM_000028.3, NM_001425325.1, NM_001425326.1 and 2 more transcripts); c.1489G>T, p.Asp497Tyr (NM_001425327.1); c.1486G>T, p.Asp496Tyr (NM_001425328.1, NM_001425329.1); c.1312G>T, p.Asp438Tyr (NM_001425332.1); c.1642G>T, p.Asp548Tyr (NM_000646.3); short protein forms D564Y, D548Y, D438Y, D496Y, D497Y.
Identifiers: ClinVar variation 1473927 (VCV001473927.6), dbSNP rs1393453150, ClinGen allele CA341315721.